The following is an entry in ClinVar:

NM_001458.5(FLNC):c.365T>C (p.Ile122Thr)

Gene: FLNC (filamin C; plus strand). Cytogenetic location: 7q32.1.
Variant type: single nucleotide variant.
Coding change: c.365T>C on transcript NM_001458.5 (MANE Select); coding-DNA position 365, T replaced by C.
Protein change: p.Ile122Thr; replaces isoleucine 122 with threonine.
Molecular consequence: missense variant.
Genome position (GRCh38, 1-based): chr7:128,835,338, T>C. VCF-style: chr7-128835338-T-C. GRCh37 (hg19) VCF-style: chr7-128475392-T-C.
Other names: c.365T>C, p.Ile122Thr (NM_001127487.2); short protein forms I122T.
Identifiers: ClinVar variation 1449100 (VCV001449100.8), dbSNP rs2128933606, ClinGen allele CA369218584.

ClinVar aggregate classification (germline): Uncertain significance. Review status: criteria provided, multiple submitters, no conflicts (2 of 4 stars). 2 submissions from 2 submitters: Uncertain significance (2). Last evaluated 2021-09-26.

Conditions:
Hypertrophic cardiomyopathy 26. Also called: Cardiomyopathy, familial hypertrophic, 26. Identifiers: Orphanet 75249, MedGen C4310749, MONDO:0014883, OMIM 617047.
Myofibrillar myopathy 5. Also called: Filaminopathy (type); FILAMINOPATHY, AUTOSOMAL DOMINANT. Identifiers: Orphanet 171445, MedGen C1836050, MONDO:0012289, OMIM 609524.
Distal myopathy with posterior leg and anterior hand involvement. Also called: WILLIAMS DISTAL MYOPATHY. Identifiers: Orphanet 63273, MedGen C3279722, MONDO:0013550, OMIM 614065.
Cardiovascular phenotype. Identifiers: MedGen CN230736.

Submissions (2):

Labcorp Genetics (formerly Invitae), Labcorp
Classification: Uncertain significance for Distal myopathy with posterior leg and anterior hand involvement; Myofibrillar myopathy 5; Hypertrophic cardiomyopathy 26. Last evaluated: 2021-09-26. Review status: criteria provided, single submitter. Criteria: Invitae Variant Classification Sherloc (09022015). Collection method: clinical testing. Allele origin: germline.
Comment: In summary, the available evidence is currently insufficient to determine the role of this variant in disease. Therefore, it has been classified as a Variant of Uncertain Significance. Algorithms developed to predict the effect of missense changes on protein structure and function are either unavailable or do not agree on the potential impact of this missense change (SIFT: "Deleterious"; PolyPhen-2: "Probably Damaging"; Align-GVGD: "Class C0"). This variant has not been reported in the literature in individuals affected with FLNC-related conditions. This variant is not present in population databases (ExAC no frequency). This sequence change replaces isoleucine with threonine at codon 122 of the FLNC protein (p.Ile122Thr). The isoleucine residue is highly conserved and there is a moderate physicochemical difference between isoleucine and threonine.

Ambry Genetics
Classification: Uncertain significance for Cardiovascular phenotype. Last evaluated: 2019-11-19. Review status: criteria provided, single submitter. Criteria: Ambry Variant Classification Scheme 2023. Collection method: clinical testing. Allele origin: germline.
Comment: The p.I122T variant (also known as c.365T>C), located in coding exon 2 of the FLNC gene, results from a T to C substitution at nucleotide position 365. The isoleucine at codon 122 is replaced by threonine, an amino acid with similar properties. This amino acid position is highly conserved in available vertebrate species. In addition, this alteration is predicted to be deleterious by in silico analysis. Since supporting evidence is limited at this time, the clinical significance of this alteration remains unclear.